The following is an entry in ClinVar:

ClinVar aggregate classification (germline): Uncertain significance. Review status: criteria provided, multiple submitters, no conflicts (2 of 4 stars). 2 submissions from 2 submitters: Uncertain significance (2). Last evaluated 2024-11-01.

Allele frequency attached by ClinVar (database versions not stated): gnomAD 0.00001.
gnomAD v4.1: 24 of 1,613,790 alleles (0.0015%); highest among the groups gnomAD compares: Non-Finnish European, 0.0019%; no homozygotes.

Submissions (2):

Blueprint Genetics
Classification: Uncertain significance. Last evaluated: 2024-11-01. Review status: criteria provided, single submitter. Criteria: ACMG Guidelines, 2015. Collection method: clinical testing. Allele origin: germline.

Labcorp Genetics (formerly Invitae), Labcorp
Classification: Uncertain significance. Last evaluated: 2022-07-09. Review status: criteria provided, single submitter. Criteria: Invitae Variant Classification Sherloc (09022015). Collection method: clinical testing. Allele origin: germline.
Comment: In summary, the available evidence is currently insufficient to determine the role of this variant in disease. Therefore, it has been classified as a Variant of Uncertain Significance. Algorithms developed to predict the effect of missense changes on protein structure and function are either unavailable or do not agree on the potential impact of this missense change (SIFT: "Deleterious"; PolyPhen-2: "Probably Damaging"; Align-GVGD: "Class C0"). This variant has not been reported in the literature in individuals affected with RCBTB1-related conditions. This variant is present in population databases (rs775159781, gnomAD 0.005%). This sequence change replaces cysteine, which is neutral and slightly polar, with tyrosine, which is neutral and polar, at codon 53 of the RCBTB1 protein (p.Cys53Tyr).

NM_018191.4(RCBTB1):c.158G>A (p.Cys53Tyr)

Gene: RCBTB1 (RCC1 and BTB domain containing protein 1; minus strand). Cytogenetic location: 13q14.2.
Variant type: single nucleotide variant.
Coding change: c.158G>A on transcript NM_018191.4 (MANE Select); coding-DNA position 158, G replaced by A.
Protein change: p.Cys53Tyr; replaces cysteine 53 with tyrosine.
Molecular consequence: missense variant. On other transcripts: 5 prime UTR variant (1), non-coding transcript variant (2).
Genome position (GRCh38, 1-based): chr13:49,566,737, C>T on the plus strand (G>A on the coding strand, the complement: RCBTB1 is on the minus strand). VCF-style: chr13-49566737-C-T. GRCh37 (hg19) VCF-style: chr13-50140873-C-T.
Other names: c.158G>A, p.Cys53Tyr (NM_001352500.2, NM_001352501.2, NM_001352502.2 and 3 more transcripts); c.-452G>A (NM_001352506.2); short protein forms C53Y.
Identifiers: ClinVar variation 1902948 (VCV001902948.4), dbSNP rs775159781, ClinGen allele CA6982970.
Genomic context (GRCh38, chr13:49,566,737, plus strand): 5'-CCACATAAGCCTTCTAGCTTTTTGGGTACAAGTGTACTCTGGTTATCTCCAGTTCCTAGA[C>T]AGTTACTATAGTTCAGTCCAAATACAAAGACCTAGAAAATAGATAGTTTTTTTTCTGAGT-3'
Protein context (NP_060661.3, residues 43-63): VFVFGLNYSN[Cys53Tyr]LGTGDNQSTL